The following is an entry in ClinVar:

ClinVar aggregate classification (germline): Conflicting classifications of pathogenicity. Review status: criteria provided, conflicting classifications (1 of 4 stars). 3 submissions from 3 submitters: Uncertain significance (1); Likely benign (1). 1 of the submissions does not count toward it. Last evaluated 2026-01-12.

Conditions:
MYH7B-related disorder. Also called: MYH7B-related condition.

Allele frequency attached by ClinVar (database versions not stated): ESP Exome Variant Server 0.00017; gnomAD 0.00037 and 0.00045; gnomAD exomes 0.00055 and 0.00140; TOPMed 0.00057; 1000 Genomes Project 30x 0.00125; 1000 Genomes Project 0.00160; ExAC 0.00336.
gnomAD v4.1: 865 of 1,545,672 alleles (0.056%); highest among the groups gnomAD compares: Middle Eastern, 0.7%; 7 homozygotes.

Submissions (4):

Labcorp Genetics (formerly Invitae), Labcorp
Classification: Likely benign. Last evaluated: 2026-01-12. Review status: criteria provided, single submitter. Criteria: Invitae Variant Classification Sherloc (09022015). Collection method: clinical testing. Allele origin: germline.

GeneDx
Classification: Uncertain significance. Last evaluated: 2016-04-05. Review status: criteria provided, single submitter. Criteria: GeneDx Variant Classification (06012015). Collection method: clinical testing. Allele origin: germline. Affected: yes.
Comment: The A1189V variant in the MYH7B gene has not been published as a pathogenic variant, nor has it been reported as a benign variant to our knowledge. The A1189V variant was not observed with any significant frequency in approximately 5,800 individuals of European and African American ancestry in the NHLBI Exome Sequencing Project. The A1189V variant is a conservative amino acid substitution, which is not likely to impact secondary protein structure as these residues share similar properties. This substitution occurs at a position that is conserved in mammals. In silico analysis is inconsistent in its predictions as to whether or not the variant is damaging to the protein structure/function. We interpret A1189V as a variant of uncertain significance.

PreventionGenetics, part of Exact Sciences
Classification: Likely benign for MYH7B-related condition. Last evaluated: 2024-07-18. Review status: no assertion criteria provided. Collection method: clinical testing. Allele origin: germline. Not counted in ClinVar's aggregate classification.
Comment: This variant is classified as likely benign based on ACMG/AMP sequence variant interpretation guidelines (Richards et al. 2015 PMID: 25741868, with internal and published modifications).

Dr. Peter K. Rogan Lab, Western University
No classification provided (evidence only). Condition: Sarcoma. Review status: no classification provided. Collection method: in vitro. Allele origin: not applicable. Functional consequence: retained intron. Not counted in ClinVar's aggregate classification.

NM_020884.7(MYH7B):c.3440C>T (p.Ala1147Val)

Gene: MYH7B (myosin heavy chain 7B; plus strand). Cytogenetic location: 20q11.22.
Variant type: single nucleotide variant.
Coding change: c.3440C>T on transcript NM_020884.7 (MANE Select); coding-DNA position 3440, C replaced by T.
Protein change: p.Ala1147Val; replaces alanine 1147 with valine.
Molecular consequence: missense variant.
Genome position (GRCh38, 1-based): chr20:34,997,333, C>T. VCF-style: chr20-34997333-C-T. GRCh37 (hg19) VCF-style: chr20-33585136-C-T.
Other names: c.3566C>T (NM_020884.4); short protein forms A1147V.
Identifiers: ClinVar variation 372426 (VCV000372426.13), dbSNP rs374221267, ClinGen allele CA9827732.